The following is an entry in ClinVar:

ClinVar aggregate classification (germline): Pathogenic (1 of 4 stars; one submission).

Conditions:
Citrullinemia. Identifiers: Orphanet 187, MedGen C0175683, MONDO:0015991.

Allele frequency attached by ClinVar (database versions not stated): gnomAD exomes below 0.00001.
gnomAD v4.1: 1 of 1,614,192 alleles (0.000062%); highest among the groups gnomAD compares: South Asian, 0.0011%; no homozygotes.

Submission:

Labcorp Genetics (formerly Invitae), Labcorp
Classification: Pathogenic for Citrullinemia. Last evaluated: 2023-07-19. Review status: criteria provided, single submitter. Criteria: Invitae Variant Classification Sherloc (09022015). Collection method: clinical testing. Allele origin: germline.
Comment: Algorithms developed to predict the effect of sequence changes on RNA splicing suggest that this variant may disrupt the consensus splice site. This sequence change creates a premature translational stop signal (p.Cys19*) in the ASS1 gene. It is expected to result in an absent or disrupted protein product. Loss-of-function variants in ASS1 are known to be pathogenic (PMID: 18473344, 19006241). This variant is not present in population databases (gnomAD no frequency). This variant has not been reported in the literature in individuals affected with ASS1-related conditions. For these reasons, this variant has been classified as Pathogenic.

Literature cited by the submitters: PubMed 18473344; PubMed 19006241.

NM_054012.4(ASS1):c.57C>A (p.Cys19Ter)

Gene: ASS1 (argininosuccinate synthase 1; plus strand). Cytogenetic location: 9q34.11.
Variant type: single nucleotide variant.
Coding change: c.57C>A on transcript NM_054012.4 (MANE Select); coding-DNA position 57, C replaced by A.
Protein change: p.Cys19Ter; replaces cysteine 19 with a stop codon.
Molecular consequence: nonsense.
Genome position (GRCh38, 1-based): chr9:130,452,285, C>A. VCF-style: chr9-130452285-C-A. GRCh37 (hg19) VCF-style: chr9-133327672-C-A.
Other names: c.57C>A, p.Cys19Ter (NM_000050.4); short protein forms C19*.
Identifiers: ClinVar variation 2744961 (VCV002744961.3), dbSNP rs2490515237, ClinGen allele CA375223569.